The following is an entry in ClinVar:

ClinVar aggregate classification (germline): Uncertain significance (1 of 4 stars; one submission).

Conditions:
Pitt-Hopkins-like syndrome 2 (PTHSL2). Identifiers: Orphanet 221150, Orphanet 600663, MedGen C3280479, MONDO:0013690, OMIM 614325.

Allele frequency attached by ClinVar (database versions not stated): gnomAD exomes below 0.00001.
gnomAD v4.1: 3 of 1,551,912 alleles (0.00019%); highest among the groups gnomAD compares: Non-Finnish European, 0.00026%; no homozygotes.

Submission:

Labcorp Genetics (formerly Invitae), Labcorp
Classification: Uncertain significance for Pitt-Hopkins-like syndrome 2. Last evaluated: 2020-09-15. Review status: criteria provided, single submitter. Criteria: Invitae Variant Classification Sherloc (09022015). Collection method: clinical testing. Allele origin: germline.
Comment: In summary, the available evidence is currently insufficient to determine the role of this variant in disease. Therefore, it has been classified as a Variant of Uncertain Significance. Algorithms developed to predict the effect of missense changes on protein structure and function are either unavailable or do not agree on the potential impact of this missense change (SIFT: "Deleterious"; PolyPhen-2: "Benign"; Align-GVGD: "Class C0"). This variant has not been reported in the literature in individuals with NRXN1-related conditions. The frequency data for this variant in the population databases is considered unreliable, as metrics indicate insufficient coverage at this position in the ExAC database. This sequence change replaces proline with leucine at codon 44 of the NRXN1 protein (p.Pro44Leu). The proline residue is highly conserved and there is a moderate physicochemical difference between proline and leucine.

NM_001330078.2(NRXN1):c.131C>T (p.Pro44Leu)

Gene: NRXN1 (neurexin 1; minus strand). Cytogenetic location: 2p16.3.
Variant type: single nucleotide variant.
Coding change: c.131C>T on transcript NM_001330078.2 (MANE Select); coding-DNA position 131, C replaced by T.
Protein change: p.Pro44Leu; replaces proline 44 with leucine.
Molecular consequence: missense variant.
Genome position (GRCh38, 1-based): chr2:51,028,143, G>A on the plus strand (C>T on the coding strand, the complement: NRXN1 is on the minus strand). VCF-style: chr2-51028143-G-A. GRCh37 (hg19) VCF-style: chr2-51255281-G-A.
Other names: c.131C>T, p.Pro44Leu (NM_001135659.3, NM_001330077.2, NM_001330079.2 and 15 more transcripts); short protein forms P44L.
Identifiers: ClinVar variation 1009351 (VCV001009351.8), dbSNP rs1670900195, ClinGen allele CA346824643.